The following is an entry in ClinVar:

NM_004393.6(DAG1):c.1729A>G (p.Met577Val)

Gene: DAG1 (dystroglycan 1; plus strand). Cytogenetic location: 3p21.31.
Variant type: single nucleotide variant.
Coding change: c.1729A>G on transcript NM_004393.6 (MANE Select); coding-DNA position 1729, A replaced by G.
Protein change: p.Met577Val; replaces methionine 577 with valine.
Molecular consequence: missense variant.
Genome position (GRCh38, 1-based): chr3:49,532,240, A>G. VCF-style: chr3-49532240-A-G. GRCh37 (hg19) VCF-style: chr3-49569673-A-G.
Other names: c.1729A>G, p.Met577Val (NM_001177637.3, NM_001177638.3, NM_001177639.3 and 9 more transcripts); short protein forms M577V.
Identifiers: ClinVar variation 1806871 (VCV001806871.6), dbSNP rs2051372729, ClinGen allele CA352796023.

ClinVar aggregate classification (germline): Uncertain significance. Review status: criteria provided, multiple submitters, no conflicts (2 of 4 stars). 2 submissions from 2 submitters: Uncertain significance (2). Last evaluated 2022-02-20.

Conditions:
Muscular dystrophy-dystroglycanopathy (congenital with brain and eye anomalies), type A9. Also called: WALKER-WARBURG SYNDROME OR MUSCLE-EYE BRAIN DISEASE, DAG1-RELATED; Muscular dystrophy-dystroglycanopathy (congenital with brain and eye anomalies), type a, 9. Identifiers: Orphanet 370997, Orphanet 899, MedGen C4225291, MONDO:0014683, OMIM 616538.
Autosomal recessive limb-girdle muscular dystrophy type 2P. Also called: MUSCULAR DYSTROPHY, LIMB-GIRDLE, TYPE 2P; Limb-Girdle Muscular Dystrophy Type 9C; MUSCULAR DYSTROPHY-DYSTROGLYCANOPATHY, LIMB-GIRDLE, DAG1-RELATED. Identifiers: Orphanet 280333, MedGen C4511963, MONDO:0013440, OMIM 613818.

Allele frequency attached by ClinVar (database versions not stated): TOPMed below 0.00001.

Submissions (2):

Labcorp Genetics (formerly Invitae), Labcorp
Classification: Uncertain significance for Autosomal recessive limb-girdle muscular dystrophy type 2P; Muscular dystrophy-dystroglycanopathy (congenital with brain and eye anomalies), type A9. Last evaluated: 2022-02-20. Review status: criteria provided, single submitter. Criteria: Invitae Variant Classification Sherloc (09022015). Collection method: clinical testing. Allele origin: germline.
Comment: This variant has not been reported in the literature in individuals affected with DAG1-related conditions. This sequence change replaces methionine, which is neutral and non-polar, with valine, which is neutral and non-polar, at codon 577 of the DAG1 protein (p.Met577Val). This variant is not present in population databases (gnomAD no frequency). Algorithms developed to predict the effect of missense changes on protein structure and function (SIFT, PolyPhen-2, Align-GVGD) all suggest that this variant is likely to be tolerated. In summary, the available evidence is currently insufficient to determine the role of this variant in disease. Therefore, it has been classified as a Variant of Uncertain Significance.

Athena Diagnostics
Classification: Uncertain significance. Last evaluated: 2021-09-09. Review status: criteria provided, single submitter. Criteria: Athena Diagnostics Criteria. Collection method: clinical testing. Allele origin: unknown.